The following is an entry in ClinVar:

NM_004064.5(CDKN1B):c.249C>G (p.Ser83Arg)

Gene: CDKN1B (cyclin dependent kinase inhibitor 1B; plus strand). Cytogenetic location: 12p13.1.
Variant type: single nucleotide variant.
Coding change: c.249C>G on transcript NM_004064.5 (MANE Select); coding-DNA position 249, C replaced by G.
Protein change: p.Ser83Arg; replaces serine 83 with arginine.
Molecular consequence: missense variant.
Genome position (GRCh38, 1-based): chr12:12,718,088, C>G. VCF-style: chr12-12718088-C-G. GRCh37 (hg19) VCF-style: chr12-12871022-C-G.
Other names: short protein forms S83R.
Identifiers: ClinVar variation 2373302 (VCV002373302.4), dbSNP rs1390694396, ClinGen allele CA383969796.

ClinVar aggregate classification (germline): Uncertain significance. Review status: criteria provided, multiple submitters, no conflicts (2 of 4 stars). 2 submissions from 2 submitters: Uncertain significance (2). Last evaluated 2024-12-07.

Conditions:
Multiple endocrine neoplasia type 4. Also called: MULTIPLE ENDOCRINE NEOPLASIA, TYPE IV. Identifiers: Orphanet 276152, MedGen C1970712, MONDO:0012552, OMIM 610755.
Hereditary cancer-predisposing syndrome. Also called: Tumor predisposition; Hereditary neoplastic syndrome; Hereditary Cancer Syndrome; Neoplastic Syndromes, Hereditary. Identifiers: Orphanet 140162, MedGen C0027672, MeSH D009386, MONDO:0015356.

Submissions (2):

Labcorp Genetics (formerly Invitae), Labcorp
Classification: Uncertain significance for Multiple endocrine neoplasia type 4. Last evaluated: 2024-12-07. Review status: criteria provided, single submitter. Criteria: Invitae Variant Classification Sherloc (09022015). Collection method: clinical testing. Allele origin: germline.
Comment: This sequence change replaces serine, which is neutral and polar, with arginine, which is basic and polar, at codon 83 of the CDKN1B protein (p.Ser83Arg). This variant is not present in population databases (gnomAD no frequency). This variant has not been reported in the literature in individuals affected with CDKN1B-related conditions. ClinVar contains an entry for this variant (Variation ID: 2373302). An algorithm developed to predict the effect of missense changes on protein structure and function (PolyPhen-2) suggests that this variant is likely to be tolerated. In summary, the available evidence is currently insufficient to determine the role of this variant in disease. Therefore, it has been classified as a Variant of Uncertain Significance.

Ambry Genetics
Classification: Uncertain significance for Hereditary cancer-predisposing syndrome. Last evaluated: 2023-08-05. Review status: criteria provided, single submitter. Criteria: Ambry Variant Classification Scheme 2023. Collection method: clinical testing. Allele origin: germline.
Comment: The p.S83R variant (also known as c.249C>G), located in coding exon 1 of the CDKN1B gene, results from a C to G substitution at nucleotide position 249. The serine at codon 83 is replaced by arginine, an amino acid with dissimilar properties. This amino acid position is conserved. In addition, this alteration is predicted to be tolerated by in silico analysis. Since supporting evidence is limited at this time, the clinical significance of this alteration remains unclear.